The following is an entry in ClinVar:

ClinVar aggregate classification (germline): Uncertain significance (1 of 4 stars; one submission).

Conditions:
DK1-congenital disorder of glycosylation. Also called: DOLK-congenital disorder of glycosylation; Carbohydrate deficient glycoprotein syndrome type 1m; CONGENITAL DISORDER OF GLYCOSYLATION, TYPE Im; DK1-CDG; CDG Im; DK1 DEFICIENCY. Identifiers: Orphanet 91131, MedGen C1835849, MONDO:0012556, OMIM 610768.

Submission:

Labcorp Genetics (formerly Invitae), Labcorp
Classification: Uncertain significance for DK1-congenital disorder of glycosylation. Last evaluated: 2022-04-19. Review status: criteria provided, single submitter. Criteria: Invitae Variant Classification Sherloc (09022015). Collection method: clinical testing. Allele origin: germline.
Comment: This variant has not been reported in the literature in individuals affected with DOLK-related conditions. In summary, the available evidence is currently insufficient to determine the role of this variant in disease. Therefore, it has been classified as a Variant of Uncertain Significance. Experimental studies and prediction algorithms are not available or were not evaluated, and the functional significance of this variant is currently unknown. This variant is not present in population databases (gnomAD no frequency). This sequence change creates a premature translational stop signal (p.Ile419Metfs*12) in the DOLK gene. While this is not anticipated to result in nonsense mediated decay, it is expected to disrupt the last 120 amino acid(s) of the DOLK protein.

NM_014908.4(DOLK):c.1257_1258del (p.Ile419fs)

Gene: DOLK (dolichol kinase; minus strand). Cytogenetic location: 9q34.11.
Variant type: Deletion.
Coding change: c.1257_1258del on transcript NM_014908.4 (MANE Select); coding-DNA positions 1257 to 1258, 2 bases deleted (CT; older notation c.1257_1258delCT).
Protein change: p.Ile419fs; shifts the reading frame from isoleucine 419.
Molecular consequence: frameshift variant.
Genome position (GRCh38, 1-based): chr9:128,946,046-128,946,047, AG deleted on the plus strand (CT on the coding strand, the reverse complement: DOLK is on the minus strand); deleting any 2 consecutive bases within chr9:128,946,046-128,946,048 gives the same sequence; the c. name uses the placement nearest the transcript's 3' end. VCF-style (leftmost placement, unchanged base first): chr9-128946045-CAG-C. GRCh37 (hg19) VCF-style: chr9-131708324-CAG-C.
Other names: short protein forms I419fs.
Identifiers: ClinVar variation 2091076 (VCV002091076.4), dbSNP rs2492003156, ClinGen allele CA2580079781.